The following is an entry in ClinVar:

NM_002458.3(MUC5B):c.13515T>C (p.Thr4505=)

Gene: MUC5B (mucin 5B, oligomeric mucus/gel-forming; plus strand). Cytogenetic location: 11p15.5.
Variant type: single nucleotide variant.
Coding change: c.13515T>C on transcript NM_002458.3 (MANE Select); coding-DNA position 13515, T replaced by C.
Protein change: p.Thr4505=; no amino-acid change (threonine 4505 retained).
Molecular consequence: synonymous variant.
Genome position (GRCh38, 1-based): chr11:1,250,395, T>C. VCF-style: chr11-1250395-T-C. GRCh37 (hg19) VCF-style: chr11-1271625-T-C.
Identifiers: ClinVar variation 2641298 (VCV002641298.24), dbSNP rs4046526, ClinGen allele CA5808339.

ClinVar aggregate classification (germline): Likely benign (1 of 4 stars; one submission).

Allele frequency attached by ClinVar (database versions not stated): ExAC 0.00021; 1000 Genomes Project 30x 0.00734.

Submission:

CeGaT Center for Human Genetics Tuebingen
Classification: Likely benign. Last evaluated: 2026-06-01. Review status: criteria provided, single submitter. Criteria: CeGaT Center For Human Genetics Tuebingen Variant Classification Criteria Version 2. Collection method: clinical testing. Allele origin: germline. Affected: yes. Observed: 29 variant alleles.
Comment: MUC5B: BP4, BP7